The following is an entry in ClinVar:

ClinVar aggregate classification (germline): Uncertain significance (1 of 4 stars; one submission).

Conditions:
Cardiovascular phenotype. Identifiers: MedGen CN230736.

gnomAD v4.1: 1 of 1,613,312 alleles (0.000062%); highest among the groups gnomAD compares: Non-Finnish European, 0.000085%; no homozygotes.

Submission:

Ambry Genetics
Classification: Uncertain significance for Cardiovascular phenotype. Last evaluated: 2020-10-26. Review status: criteria provided, single submitter. Criteria: Ambry Variant Classification Scheme 2023. Collection method: clinical testing. Allele origin: germline.
Comment: The c.4248+5G>C intronic variant results from a G to C substitution 5 nucleotides after coding exon 50 in the COL1A1 gene. This nucleotide position is highly conserved in available vertebrate species. In silico splice site analysis predicts that this alteration will weaken the native splice donor site. Since supporting evidence is limited at this time, the clinical significance of this alteration remains unclear.

NM_000088.4(COL1A1):c.4248+5G>C

Gene: COL1A1 (collagen type I alpha 1 chain; minus strand). Cytogenetic location: 17q21.33.
Variant type: single nucleotide variant.
Coding change: c.4248+5G>C on transcript NM_000088.4 (MANE Select); 5 bases into the intron after coding-DNA position 4248, G replaced by C.
Molecular consequence: intron variant.
Genome position (GRCh38, 1-based): chr17:50,185,773, C>G on the plus strand (G>C on the coding strand, the complement: COL1A1 is on the minus strand). VCF-style: chr17-50185773-C-G. GRCh37 (hg19) VCF-style: chr17-48263134-C-G.
Identifiers: ClinVar variation 1739041 (VCV001739041.2), dbSNP rs2509154900, ClinGen allele CA2580094164.